The following is an entry in ClinVar:

NM_001018115.3(FANCD2):c.361C>T (p.Gln121Ter)

Genes: FANCD2 (FA complementation group D2; plus strand), LOC107303338 (3p25 FANCD2 Alu-mediated recombination region; plus strand). Cytogenetic location: 3p25.3.
Variant type: single nucleotide variant.
Coding change: c.361C>T on transcript NM_001018115.3 (MANE Select); coding-DNA position 361, C replaced by T.
Protein change: p.Gln121Ter; replaces glutamine 121 with a stop codon.
Molecular consequence: nonsense.
Genome position (GRCh38, 1-based): chr3:10,034,782, C>T. VCF-style: chr3-10034782-C-T. GRCh37 (hg19) VCF-style: chr3-10076466-C-T.
Other names: c.361C>T, p.Gln121Ter (NM_001319984.2, NM_001374253.1, NM_001374254.1 and 2 more transcripts); short protein forms Q121*.
Identifiers: ClinVar variation 2893323 (VCV002893323.3), dbSNP rs2470719712, ClinGen allele CA351720869.

ClinVar aggregate classification (germline): Pathogenic (1 of 4 stars; one submission).

Conditions:
Fanconi anemia (FA). Also called: Fanconi's anemia. Identifiers: Orphanet 84, MedGen C0015625, MeSH D005199, MONDO:0019391.

Allele frequency attached by ClinVar (database versions not stated): gnomAD exomes below 0.00001.
gnomAD v4.1: 1 of 1,558,058 alleles (0.000064%); highest among the groups gnomAD compares: Non-Finnish European, 0.000087%; no homozygotes.

Submission:

Labcorp Genetics (formerly Invitae), Labcorp
Classification: Pathogenic for Fanconi anemia. Last evaluated: 2023-03-26. Review status: criteria provided, single submitter. Criteria: Invitae Variant Classification Sherloc (09022015). Collection method: clinical testing. Allele origin: germline.
Comment: For these reasons, this variant has been classified as Pathogenic. Algorithms developed to predict the effect of sequence changes on RNA splicing suggest that this variant may disrupt the consensus splice site. This variant has not been reported in the literature in individuals affected with FANCD2-related conditions. This variant is not present in population databases (gnomAD no frequency). This sequence change creates a premature translational stop signal (p.Gln121*) in the FANCD2 gene. It is expected to result in an absent or disrupted protein product. Loss-of-function variants in FANCD2 are known to be pathogenic (PMID: 17436244).

Literature cited by the submitters: PubMed 17436244.